The following is an entry in ClinVar:

ClinVar aggregate classification (germline): Uncertain significance (1 of 4 stars; one submission).

Submission:

Labcorp Genetics (formerly Invitae), Labcorp
Classification: Uncertain significance. Last evaluated: 2023-05-20. Review status: criteria provided, single submitter. Criteria: Invitae Variant Classification Sherloc (09022015). Collection method: clinical testing. Allele origin: germline.
Comment: This sequence change replaces glutamic acid, which is acidic and polar, with valine, which is neutral and non-polar, at codon 116 of the TSPAN12 protein (p.Glu116Val). This variant is not present in population databases (gnomAD no frequency). This variant has not been reported in the literature in individuals affected with TSPAN12-related conditions. Advanced modeling of protein sequence and biophysical properties (such as structural, functional, and spatial information, amino acid conservation, physicochemical variation, residue mobility, and thermodynamic stability) performed at Invitae indicates that this missense variant is not expected to disrupt TSPAN12 protein function. In summary, the available evidence is currently insufficient to determine the role of this variant in disease. Therefore, it has been classified as a Variant of Uncertain Significance.

NM_012338.4(TSPAN12):c.347A>T (p.Glu116Val)

Gene: TSPAN12 (tetraspanin 12; minus strand). Cytogenetic location: 7q31.31.
Variant type: single nucleotide variant.
Coding change: c.347A>T on transcript NM_012338.4 (MANE Select); coding-DNA position 347, A replaced by T.
Protein change: p.Glu116Val; replaces glutamic acid 116 with valine.
Molecular consequence: missense variant.
Genome position (GRCh38, 1-based): chr7:120,815,742, T>A on the plus strand (A>T on the coding strand, the complement: TSPAN12 is on the minus strand). VCF-style: chr7-120815742-T-A. GRCh37 (hg19) VCF-style: chr7-120455796-T-A.
Other names: short protein forms E116V.
Identifiers: ClinVar variation 2866336 (VCV002866336.3), dbSNP rs2485362727, ClinGen allele CA369138747.